The following is an entry in ClinVar:

NM_177438.3(DICER1):c.5162A>G (p.Tyr1721Cys)

Gene: DICER1 (dicer 1, ribonuclease III; minus strand). Cytogenetic location: 14q32.13.
Variant type: single nucleotide variant.
Coding change: c.5162A>G on transcript NM_177438.3 (MANE Select); coding-DNA position 5162, A replaced by G.
Protein change: p.Tyr1721Cys; replaces tyrosine 1721 with cysteine.
Molecular consequence: missense variant.
Genome position (GRCh38, 1-based): chr14:95,094,090, T>C on the plus strand (A>G on the coding strand, the complement: DICER1 is on the minus strand). VCF-style: chr14-95094090-T-C. GRCh37 (hg19) VCF-style: chr14-95560427-T-C.
Other names: c.5162A>G, p.Tyr1721Cys (NM_001195573.1, NM_001271282.3, NM_001291628.2 and 1 more transcripts); short protein forms Y1721C.
Identifiers: ClinVar variation 934333 (VCV000934333.11), dbSNP rs1595331059, ClinGen allele CA390865307.

ClinVar aggregate classification (germline): Uncertain significance (1 of 4 stars; one submission).

Conditions:
DICER1-related tumor predisposition. Also called: DICER1 syndrome; DICER1-related pleuropulmonary blastoma cancer predisposition syndrome. Identifiers: Orphanet 284343, MedGen C3839822, MONDO:0100216.

Allele frequency attached by ClinVar (database versions not stated): TOPMed below 0.00001.

Submission:

Labcorp Genetics (formerly Invitae), Labcorp
Classification: Uncertain significance for DICER1-related tumor predisposition. Last evaluated: 2019-10-09. Review status: criteria provided, single submitter. Criteria: Invitae Variant Classification Sherloc (09022015). Collection method: clinical testing. Allele origin: germline.
Comment: This variant is not present in population databases (ExAC no frequency). In summary, the available evidence is currently insufficient to determine the role of this variant in disease. Therefore, it has been classified as a Variant of Uncertain Significance. Algorithms developed to predict the effect of missense changes on protein structure and function (SIFT, PolyPhen-2, Align-GVGD) all suggest that this variant is likely to be disruptive, but these predictions have not been confirmed by published functional studies and their clinical significance is uncertain. This variant has not been reported in the literature in individuals with DICER1-related conditions. This sequence change replaces tyrosine with cysteine at codon 1721 of the DICER1 protein (p.Tyr1721Cys). The tyrosine residue is highly conserved and there is a large physicochemical difference between tyrosine and cysteine.